The following is an entry in ClinVar:

NM_000355.4(TCN2):c.662T>C (p.Met221Thr)

Gene: TCN2 (transcobalamin 2; plus strand). Cytogenetic location: 22q12.2.
Variant type: single nucleotide variant.
Coding change: c.662T>C on transcript NM_000355.4 (MANE Select); coding-DNA position 662, T replaced by C.
Protein change: p.Met221Thr; replaces methionine 221 with threonine.
Molecular consequence: missense variant.
Genome position (GRCh38, 1-based): chr22:30,615,382, T>C. VCF-style: chr22-30615382-T-C. GRCh37 (hg19) VCF-style: chr22-31011369-T-C.
Other names: c.581T>C, p.Met194Thr (NM_001184726.2); short protein forms M194T, M221T.
Identifiers: ClinVar variation 1985087 (VCV001985087.4), dbSNP rs1204447234, ClinGen allele CA411212477.

ClinVar aggregate classification (germline): Uncertain significance (1 of 4 stars; one submission).

Conditions:
Transcobalamin II deficiency (TCN2D). Also called: Transcolabamin II deficiency; TC II DEFICIENCY; TCN2 DEFICIENCY. Identifiers: Orphanet 859, MedGen C0342701, MONDO:0010149, OMIM 275350.

Allele frequency attached by ClinVar (database versions not stated): gnomAD exomes below 0.00001; gnomAD 0.00001; TOPMed 0.00001.
gnomAD v4.1: 2 of 1,614,062 alleles (0.00012%); highest among the groups gnomAD compares: Admixed American, 0.0017%; no homozygotes.

Submission:

Labcorp Genetics (formerly Invitae), Labcorp
Classification: Uncertain significance for Transcobalamin II deficiency. Last evaluated: 2023-12-11. Review status: criteria provided, single submitter. Criteria: Invitae Variant Classification Sherloc (09022015). Collection method: clinical testing. Allele origin: germline.
Comment: This sequence change replaces methionine, which is neutral and non-polar, with threonine, which is neutral and polar, at codon 221 of the TCN2 protein (p.Met221Thr). This variant is not present in population databases (gnomAD no frequency). This variant has not been reported in the literature in individuals affected with TCN2-related conditions. ClinVar contains an entry for this variant (Variation ID: 1985087). Advanced modeling of protein sequence and biophysical properties (such as structural, functional, and spatial information, amino acid conservation, physicochemical variation, residue mobility, and thermodynamic stability) performed at Invitae indicates that this missense variant is not expected to disrupt TCN2 protein function with a negative predictive value of 80%. In summary, the available evidence is currently insufficient to determine the role of this variant in disease. Therefore, it has been classified as a Variant of Uncertain Significance.